The following is an entry in ClinVar:

NM_000043.6(FAS):c.816del (p.Glu272fs)

Gene: FAS (Fas cell surface death receptor; plus strand). Cytogenetic location: 10q23.31.
Variant type: Deletion.
Coding change: c.816del on transcript NM_000043.6 (MANE Select); coding-DNA position 816, one base deleted (A; older notation c.816delA).
Protein change: p.Glu272fs; shifts the reading frame from glutamic acid 272.
Molecular consequence: frameshift variant. On other transcripts: 3 prime UTR variant (2), non-coding transcript variant (7).
Genome position (GRCh38, 1-based): chr10:89,014,258, A deleted; the last of 2 consecutive A bases (chr10:89,014,257-89,014,258); deleting either gives the same sequence. VCF-style (leftmost placement, unchanged base first): chr10-89014256-GA-G. GRCh37 (hg19) VCF-style: chr10-90774013-GA-G.
Other names: c.*139del (NM_001320619.2); c.753del, p.Glu251fs (NM_152871.4); c.*128del (NM_152872.4); short protein forms E251fs, E272fs.
Identifiers: ClinVar variation 1357498 (VCV001357498.6), dbSNP rs2119446366, ClinGen allele CA2573145875.

ClinVar aggregate classification (germline): Pathogenic (1 of 4 stars; one submission).

Conditions:
Autoimmune lymphoproliferative syndrome type 1. Also called: AUTOIMMUNE LYMPHOPROLIFERATIVE SYNDROME, TYPE I, AUTOSOMAL DOMINANT. Identifiers: Orphanet 3261, MedGen C2717884, MONDO:0011158, OMIM 601859.

Submission:

Labcorp Genetics (formerly Invitae), Labcorp
Classification: Pathogenic for Autoimmune lymphoproliferative syndrome. Last evaluated: 2021-09-06. Review status: criteria provided, single submitter. Criteria: Invitae Variant Classification Sherloc (09022015). Collection method: clinical testing. Allele origin: germline.
Comment: This sequence change creates a premature translational stop signal (p.Glu272Aspfs*23) in the FAS gene. While this is not anticipated to result in nonsense mediated decay, it is expected to disrupt the last 64 amino acid(s) of the FAS protein. This variant is not present in population databases (ExAC no frequency). This variant has not been reported in the literature in individuals affected with FAS-related conditions. This variant disrupts a region of the FAS protein in which other variant(s) (p.Leu294*) have been determined to be pathogenic (PMID: 10090885, 21490157, 23407489). This suggests that this is a clinically significant region of the protein, and that variants that disrupt it are likely to be disease-causing. For these reasons, this variant has been classified as Pathogenic.

Literature cited by the submitters: PubMed 10090885; PubMed 21490157; PubMed 23407489.